The following is an entry in ClinVar:

NM_002968.3(SALL1):c.104G>A (p.Arg35His)

Gene: SALL1 (spalt like transcription factor 1; minus strand). Cytogenetic location: 16q12.1.
Variant type: single nucleotide variant.
Coding change: c.104G>A on transcript NM_002968.3 (MANE Select); coding-DNA position 104, G replaced by A.
Protein change: p.Arg35His; replaces arginine 35 with histidine.
Molecular consequence: missense variant. On other transcripts: 5 prime UTR variant (1).
Genome position (GRCh38, 1-based): chr16:51,142,118, C>T on the plus strand (G>A on the coding strand, the complement: SALL1 is on the minus strand). VCF-style: chr16-51142118-C-T. GRCh37 (hg19) VCF-style: chr16-51176029-C-T.
Other names: c.-188G>A (NM_001127892.2); short protein forms R35H.
Identifiers: ClinVar variation 1180200 (VCV001180200.2), dbSNP rs754846300, ClinGen allele CA395893650.

ClinVar aggregate classification (germline): Uncertain significance (1 of 4 stars; one submission).

Allele frequency attached by ClinVar (database versions not stated): 1000 Genomes Project 30x 0.00016.
gnomAD v4.1: 9 of 1,613,232 alleles (0.00056%); highest among the groups gnomAD compares: African/African-American, 0.0013%; no homozygotes.

Submission:

GeneDx
Classification: Uncertain significance. Last evaluated: 2019-12-16. Review status: criteria provided, single submitter. Criteria: GeneDx Variant Classification Process June 2021. Collection method: clinical testing. Allele origin: germline. Affected: yes.
Comment: Not observed in large population cohorts (Lek et al., 2016); In silico analysis, which includes protein predictors and evolutionary conservation, supports that this variant does not alter protein structure/function; Has not been previously published as pathogenic or benign to our knowledge